The following is an entry in ClinVar:

ClinVar aggregate classification (germline): Uncertain significance (1 of 4 stars; one submission).

Submission:

Labcorp Genetics (formerly Invitae), Labcorp
Classification: Uncertain significance. Last evaluated: 2022-08-07. Review status: criteria provided, single submitter. Criteria: Invitae Variant Classification Sherloc (09022015). Collection method: clinical testing. Allele origin: germline.
Comment: In summary, the available evidence is currently insufficient to determine the role of this variant in disease. Therefore, it has been classified as a Variant of Uncertain Significance. Algorithms developed to predict the effect of missense changes on protein structure and function (SIFT, PolyPhen-2, Align-GVGD) all suggest that this variant is likely to be tolerated. This variant has not been reported in the literature in individuals affected with FZD4-related conditions. This variant is not present in population databases (gnomAD no frequency). This sequence change replaces proline, which is neutral and non-polar, with arginine, which is basic and polar, at codon 177 of the FZD4 protein (p.Pro177Arg).

NM_012193.4(FZD4):c.530C>G (p.Pro177Arg)

Genes: FZD4 (frizzled class receptor 4; minus strand), PRSS23 (serine protease 23; plus strand). Cytogenetic location: 11q14.2.
Variant type: single nucleotide variant.
Coding change: c.530C>G on transcript NM_012193.4 (MANE Select); coding-DNA position 530, C replaced by G.
Protein change: p.Pro177Arg; replaces proline 177 with arginine.
Molecular consequence: missense variant. On other transcripts: non-coding transcript variant (2).
Genome position (GRCh38, 1-based): chr11:86,952,226, G>C on the plus strand (C>G on the coding strand, the complement: FZD4 is on the minus strand). VCF-style: chr11-86952226-G-C. GRCh37 (hg19) VCF-style: chr11-86663268-G-C.
Other names: short protein forms P177R.
Identifiers: ClinVar variation 2009890 (VCV002009890.4), dbSNP rs2495868574, ClinGen allele CA382015771.